The following is an entry in ClinVar:

ClinVar aggregate classification (germline): Pathogenic (1 of 4 stars; one submission).

Conditions:
Spastic paraplegia. Identifiers: MedGen C0037772, HP:0001258.

gnomAD v4.1: 3 of 1,609,462 alleles (0.00019%); highest among the groups gnomAD compares: Admixed American, 0.0052%; no homozygotes.

Submission:

Labcorp Genetics (formerly Invitae), Labcorp
Classification: Pathogenic for Spastic paraplegia. Last evaluated: 2025-10-22. Review status: criteria provided, single submitter. Criteria: Invitae Variant Classification Sherloc (09022015). Collection method: clinical testing. Allele origin: germline.
Comment: This sequence change creates a premature translational stop signal (p.Trp277*) in the RTN2 gene. It is expected to result in an absent or disrupted protein product. Loss-of-function variants in RTN2 are known to be pathogenic (PMID: 22232211, 27165006, 38527963). This variant is present in population databases (no rsID available, gnomAD 0.009%). This variant has not been reported in the literature in individuals affected with RTN2-related conditions. For these reasons, this variant has been classified as Pathogenic.

Literature cited by the submitters: PubMed 22232211; PubMed 27165006; PubMed 38527963.

NM_005619.5(RTN2):c.831G>A (p.Trp277Ter)

Genes: OPA3-RTN2 (OPA3-RTN2 readthrough; minus strand), RTN2 (reticulon 2; minus strand). Cytogenetic location: 19q13.32.
Variant type: single nucleotide variant.
Coding change: c.831G>A on transcript NM_005619.5 (MANE Select); coding-DNA position 831, G replaced by A.
Protein change: p.Trp277Ter; replaces tryptophan 277 with a stop codon.
Molecular consequence: nonsense. On other transcripts: intron variant (1).
Genome position (GRCh38, 1-based): chr19:45,493,362, C>T on the plus strand (G>A on the coding strand, the complement: RTN2 is on the minus strand). VCF-style: chr19-45493362-C-T. GRCh37 (hg19) VCF-style: chr19-45996620-C-T.
Other names: c.814+804G>A (NM_206900.3); short protein forms W277*.
Identifiers: ClinVar variation 4765781 (VCV004765781.1).